The following is an entry in ClinVar:

ClinVar aggregate classification (germline): Uncertain significance. Review status: criteria provided, multiple submitters, no conflicts (2 of 4 stars). 2 submissions from 2 submitters: Uncertain significance (2). Last evaluated 2025-10-25.

Conditions:
Hereditary cancer-predisposing syndrome. Also called: Neoplastic Syndromes, Hereditary; Hereditary Cancer Syndrome; Hereditary neoplastic syndrome; Tumor predisposition. Identifiers: Orphanet 140162, MedGen C0027672, MeSH D009386, MONDO:0015356.
Neurofibromatosis, type 2 (SWNV). Also called: BILATERAL ACOUSTIC NEUROFIBROMATOSIS; SCHWANNOMATOSIS, VESTIBULAR; NF2-Related Schwannomatosis. Identifiers: Orphanet 637, MedGen C0027832, MONDO:0007039, OMIM 101000. Disease mechanism: loss of function.

Submissions (2):

Labcorp Genetics (formerly Invitae), Labcorp
Classification: Uncertain significance for Neurofibromatosis, type 2. Last evaluated: 2025-10-25. Review status: criteria provided, single submitter. Criteria: Invitae Variant Classification Sherloc (09022015). Collection method: clinical testing. Allele origin: germline.
Comment: This sequence change replaces alanine, which is neutral and non-polar, with glycine, which is neutral and non-polar, at codon 448 of the NF2 protein (p.Ala448Gly). This variant is not present in population databases (gnomAD no frequency). This variant has not been reported in the literature in individuals affected with NF2-related conditions. ClinVar contains an entry for this variant (Variation ID: 999388). An algorithm developed to predict the effect of missense changes on protein structure and function (PolyPhen-2) suggests that this variant is likely to be disruptive. In summary, the available evidence is currently insufficient to determine the role of this variant in disease. Therefore, it has been classified as a Variant of Uncertain Significance.

Ambry Genetics
Classification: Uncertain significance for Hereditary cancer-predisposing syndrome. Last evaluated: 2022-10-29. Review status: criteria provided, single submitter. Criteria: Ambry Variant Classification Scheme 2023. Collection method: clinical testing. Allele origin: germline.
Comment: The p.A448G variant (also known as c.1343C>G), located in coding exon 13 of the NF2 gene, results from a C to G substitution at nucleotide position 1343. The alanine at codon 448 is replaced by glycine, an amino acid with similar properties. This amino acid position is conserved. In addition, this alteration is predicted to be tolerated by in silico analysis. Since supporting evidence is limited at this time, the clinical significance of this alteration remains unclear.

NM_000268.4(NF2):c.1343C>G (p.Ala448Gly)

Gene: NF2 (NF2, moesin-ezrin-radixin like (MERLIN) tumor suppressor; plus strand). Cytogenetic location: 22q12.2.
Variant type: single nucleotide variant.
Coding change: c.1343C>G on transcript NM_000268.4 (MANE Select); coding-DNA position 1343, C replaced by G.
Protein change: p.Ala448Gly; replaces alanine 448 with glycine.
Molecular consequence: missense variant. On other transcripts: non-coding transcript variant (1), intron variant (1).
Genome position (GRCh38, 1-based): chr22:29,674,838, C>G. VCF-style: chr22-29674838-C-G. GRCh37 (hg19) VCF-style: chr22-30070827-C-G.
Other names: c.1343C>G, p.Ala448Gly (NM_016418.5, NM_181825.3, NM_181832.3); c.1217C>G, p.Ala406Gly (NM_181828.3); c.1220C>G, p.Ala407Gly (NM_181829.3); c.1094C>G, p.Ala365Gly (NM_181830.3, NM_181831.3); c.448-19914C>G (NM_181833.3); short protein forms A365G, A406G, A407G, A448G.
Identifiers: ClinVar variation 999388 (VCV000999388.11), dbSNP rs2066911555, ClinGen allele CA411148815.